The following is an entry in ClinVar:

ClinVar aggregate classification (germline): Uncertain significance. Review status: criteria provided, multiple submitters, no conflicts (2 of 4 stars). 2 submissions from 2 submitters: Uncertain significance (2). Last evaluated 2025-05-14.

Allele frequency attached by ClinVar (database versions not stated): ESP Exome Variant Server 0.00008; gnomAD exomes 0.00004 and 0.00003; TOPMed 0.00004; gnomAD 0.00004 and 0.00003; ExAC 0.00002.
gnomAD v4.1: 50 of 1,613,820 alleles (0.0031%); highest among the groups gnomAD compares: Non-Finnish European, 0.00051%; no homozygotes.

Submissions (2):

Ambry Genetics
Classification: Uncertain significance. Last evaluated: 2025-05-14. Review status: criteria provided, single submitter. Criteria: Ambry Variant Classification Scheme 2023. Collection method: clinical testing. Allele origin: germline.

Labcorp Genetics (formerly Invitae), Labcorp
Classification: Uncertain significance. Last evaluated: 2022-03-02. Review status: criteria provided, single submitter. Criteria: Invitae Variant Classification Sherloc (09022015). Collection method: clinical testing. Allele origin: germline.
Comment: This sequence change replaces methionine, which is neutral and non-polar, with leucine, which is neutral and non-polar, at codon 282 of the EXOSC2 protein (p.Met282Leu). This variant is present in population databases (rs371501959, gnomAD 0.09%). This variant has not been reported in the literature in individuals affected with EXOSC2-related conditions. Algorithms developed to predict the effect of missense changes on protein structure and function output the following: SIFT: "Tolerated"; PolyPhen-2: "Benign"; Align-GVGD: "Class C0". The leucine amino acid residue is found in multiple mammalian species, which suggests that this missense change does not adversely affect protein function. In summary, the available evidence is currently insufficient to determine the role of this variant in disease. Therefore, it has been classified as a Variant of Uncertain Significance.

NM_014285.7(EXOSC2):c.844A>T (p.Met282Leu)

Gene: EXOSC2 (exosome component 2; plus strand). Cytogenetic location: 9q34.12.
Variant type: single nucleotide variant.
Coding change: c.844A>T on transcript NM_014285.7 (MANE Select); coding-DNA position 844, A replaced by T.
Protein change: p.Met282Leu; replaces methionine 282 with leucine.
Molecular consequence: missense variant. On other transcripts: non-coding transcript variant (1).
Genome position (GRCh38, 1-based): chr9:130,703,736, A>T. VCF-style: chr9-130703736-A-T. GRCh37 (hg19) VCF-style: chr9-133579123-A-T.
Other names: c.766A>T, p.Met256Leu (NM_001282708.1); c.754A>T, p.Met252Leu (NM_001282709.1); c.844A>T (NM_014285.5); short protein forms M252L, M282L, M256L.
Identifiers: ClinVar variation 1520158 (VCV001520158.6), dbSNP rs371501959, ClinGen allele CA5285003.